The following is an entry in ClinVar:

ClinVar aggregate classification (germline): Uncertain significance (1 of 4 stars; one submission).

Conditions:
Hereditary cancer-predisposing syndrome. Also called: Tumor predisposition; Hereditary Cancer Syndrome; Hereditary neoplastic syndrome; Neoplastic Syndromes, Hereditary. Identifiers: Orphanet 140162, MedGen C0027672, MeSH D009386, MONDO:0015356.

Submission:

Ambry Genetics
Classification: Uncertain significance for Hereditary cancer-predisposing syndrome. Last evaluated: 2023-09-12. Review status: criteria provided, single submitter. Criteria: Ambry Variant Classification Scheme 2023. Collection method: clinical testing. Allele origin: germline.
Comment: The p.G1310S variant (also known as c.3928G>A), located in coding exon 31 of the POLE gene, results from a G to A substitution at nucleotide position 3928. The glycine at codon 1310 is replaced by serine, an amino acid with similar properties. This amino acid position is conserved. In addition, this alteration is predicted to be tolerated by in silico analysis. Since supporting evidence is limited at this time, the clinical significance of this alteration remains unclear.

NM_006231.4(POLE):c.3928G>A (p.Gly1310Ser)

Gene: POLE (DNA polymerase epsilon, catalytic subunit; minus strand). Cytogenetic location: 12q24.33.
Variant type: single nucleotide variant.
Coding change: c.3928G>A on transcript NM_006231.4 (MANE Select); coding-DNA position 3928, G replaced by A.
Protein change: p.Gly1310Ser; replaces glycine 1310 with serine.
Molecular consequence: missense variant.
Genome position (GRCh38, 1-based): chr12:132,649,383, C>T on the plus strand (G>A on the coding strand, the complement: POLE is on the minus strand). VCF-style: chr12-132649383-C-T. GRCh37 (hg19) VCF-style: chr12-133225969-C-T.
Other names: short protein forms G1310S.
Identifiers: ClinVar variation 2625252 (VCV002625252.2), dbSNP rs2138606930, ClinGen allele CA387385076.